The following is an entry in ClinVar:

NM_004606.5(TAF1):c.407T>G (p.Met136Arg)

Gene: TAF1 (TATA-box binding protein associated factor 1; plus strand). Cytogenetic location: Xq13.1.
Variant type: single nucleotide variant.
Coding change: c.407T>G on transcript NM_004606.5 (MANE Select); coding-DNA position 407, T replaced by G.
Protein change: p.Met136Arg; replaces methionine 136 with arginine.
Molecular consequence: missense variant. On other transcripts: non-coding transcript variant (9).
Genome position (GRCh38, 1-based): chrX:71,375,221, T>G. VCF-style: chrX-71375221-T-G. GRCh37 (hg19) VCF-style: chrX-70595071-T-G.
Other names: c.407T>G, p.Met136Arg (NM_001286074.2, NM_001440852.1, NM_001440853.1 and 2 more transcripts); short protein forms M136R.
Identifiers: ClinVar variation 4632562 (VCV004632562.2).
Genomic context (GRCh38, chrX:71,375,221, plus strand): 5'-TATTAGATTATGATGAAGATGACTATGATGCTGATTGTGAAGACATTGATTGCAAGTTGA[T>G]GCCTCCTCCACCTCCACCCCCGGGACCAATGAAGAAGGATAAGGACCAGGATTCTATTAC-3'
Protein context (NP_004597.3, residues 126-146): ADCEDIDCKL[Met136Arg]PPPPPPPGPM

ClinVar aggregate classification (germline): Uncertain significance. Review status: criteria provided, multiple submitters, no conflicts (2 of 4 stars). 2 submissions from 2 submitters: Uncertain significance (2). Last evaluated 2026-03-25.

Conditions:
Inborn genetic diseases. Identifiers: MedGen C0950123, MeSH D030342.

Submissions (2):

Women's Health and Genetics/Laboratory Corporation of America, LabCorp
Classification: Uncertain significance. Last evaluated: 2026-03-25. Review status: criteria provided, single submitter. Criteria: LabCorp Variant Classification Summary - May 2015. Collection method: clinical testing. Allele origin: germline.
Comment: Variant summary: TAF1 c.407T>G (p.Met136Arg) results in a non-conservative amino acid change in the encoded protein sequence. Algorithms developed to predict the effect of missense changes on protein structure and function are either unavailable or do not agree on the potential impact of this missense change. The variant allele was found at a frequency of 5.5e-06 in 182607 control chromosomes. The available data on variant occurrences in the general population are insufficient to allow any conclusion about variant significance. To our knowledge, no occurrence of c.407T>G in individuals affected with TAF1-related conditions and no experimental evidence demonstrating its impact on protein function have been reported. ClinVar contains an entry for this variant (Variation ID: 4632562). Based on the evidence outlined above, the variant was classified as uncertain significance.

Ambry Genetics
Classification: Uncertain significance for Inborn genetic diseases. Last evaluated: 2025-10-21. Review status: criteria provided, single submitter. Criteria: Ambry Variant Classification Scheme 2023. Collection method: clinical testing. Allele origin: germline.